The following is an entry in ClinVar:

ClinVar aggregate classification (germline): Pathogenic. Review status: reviewed by expert panel (3 of 4 stars). 3 submissions from 3 submitters: Pathogenic (1). 2 of the submissions do not count toward it. Last evaluated 2016-10-18.

Conditions:
Familial pancreatic carcinoma. Identifiers: Orphanet 1333, MedGen C2931038, MONDO:0015278, OMIM 260350.
Breast-ovarian cancer, familial, susceptibility to, 1 (BROVCA1). Also called: BRCA1 Hereditary Breast and Ovarian Cancer; OVARIAN CANCER, SUSCEPTIBILITY TO. Identifiers: Orphanet 145, MedGen C2676676, MONDO:0011450, OMIM 604370. Disease mechanism: loss of function.

Submissions (3):

Evidence-based Network for the Interpretation of Germline Mutant Alleles (ENIGMA)
Classification: Pathogenic for Breast-ovarian cancer, familial, susceptibility to, 1. Last evaluated: 2016-10-18. Review status: reviewed by expert panel. Criteria: ENIGMA BRCA1/2 Classification Criteria (2015). Collection method: curation. Allele origin: germline.
Comment: Variant allele predicted to encode a truncated non-functional protein.

Department of Pathology and Laboratory Medicine, Sinai Health System
Classification: Pathogenic for Familial pancreatic carcinoma. Last evaluated: 2020-05-14. Review status: criteria provided, single submitter. Criteria: ACMG Guidelines, 2015. Collection method: clinical testing. Allele origin: germline. Affected: yes. Not counted in ClinVar's aggregate classification.

Consortium of Investigators of Modifiers of BRCA1/2 (CIMBA), c/o University of Cambridge
Classification: Pathogenic for Breast-ovarian cancer, familial, susceptibility to, 1. Last evaluated: 2015-10-02. Review status: criteria provided, single submitter. Criteria: CIMBA Mutation Classification guidelines May 2016. Collection method: clinical testing. Allele origin: germline. Not counted in ClinVar's aggregate classification.

NM_007294.4(BRCA1):c.3396del (p.Asn1132_Leu1133insTer)

Genes: BRCA1 (BRCA1 DNA repair associated; minus strand), LOC126862571 (BRD4-independent group 4 enhancer GRCh37_chr17:41243136-41244335; plus strand). Cytogenetic location: 17q21.31.
Variant type: Deletion.
Coding change: c.3396del on transcript NM_007294.4 (MANE Select); coding-DNA position 3396, one base deleted (C; older notation c.3396delC).
Protein change: p.Asn1132_Leu1133insTer.
Molecular consequence: frameshift variant. On other transcripts: intron variant (135), nonsense (1).
Genome position (GRCh38, 1-based): chr17:43,092,135, G deleted on the plus strand (C on the coding strand, the reverse complement: BRCA1 is on the minus strand). VCF-style (leftmost placement, unchanged base first): chr17-43092134-AG-A. GRCh37 (hg19) VCF-style: chr17-41244151-AG-A.
Other names: 3515delC; c.578-1103del (NM_001408513.1, NM_001408489.1, NM_001408479.1 and 9 more transcripts); c.521-1103del (NM_001408503.1, NM_001408505.1, NM_001408504.1); c.524-1103del (NM_001408500.1, NM_001408497.1, NM_001408496.1 and 3 more transcripts); c.647-1103del (NM_001408466.1, NM_001408452.1, NM_001408457.1 and 11 more transcripts); c.788-1103del (NM_001407973.1, NM_001408403.1, NM_001407983.1 and 17 more transcripts); c.404-1103del (NM_001408511.1); c.461-1103del (NM_001408507.1, NM_001408506.1); and 43 more.
Identifiers: ClinVar variation 266366 (VCV000266366.7), dbSNP rs886040125, ClinGen allele CA10589756.